The following is an entry in ClinVar:

ClinVar aggregate classification (germline): Uncertain significance (1 of 4 stars; one submission).

Conditions:
Brugada syndrome. Also called: Sudden unexpected nocturnal death syndrome; Sudden Unexplained Death Syndrome; Sudden Unexplained Nocturnal Death Syndrome (SUNDS); Sudden unexplained nocturnal death syndrome. Identifiers: Orphanet 130, MedGen C1142166, MONDO:0015263.

gnomAD v4.1: 2 of 1,614,058 alleles (0.00012%); highest among the groups gnomAD compares: African/African-American, 0.0013%; no homozygotes.

Submission:

Labcorp Genetics (formerly Invitae), Labcorp
Classification: Uncertain significance for Brugada syndrome. Last evaluated: 2026-01-21. Review status: criteria provided, single submitter. Criteria: Invitae Variant Classification Sherloc (09022015). Collection method: clinical testing. Allele origin: germline.
Comment: This sequence change replaces serine, which is neutral and polar, with threonine, which is neutral and polar, at codon 1923 of the SCN10A protein (p.Ser1923Thr). This variant is not present in population databases (gnomAD no frequency). This variant has not been reported in the literature in individuals affected with SCN10A-related conditions. Invitae Evidence Modeling of protein sequence and biophysical properties (such as structural, functional, and spatial information, amino acid conservation, physicochemical variation, residue mobility, and thermodynamic stability) indicates that this missense variant is expected to disrupt SCN10A protein function with a positive predictive value of 95%. In summary, the available evidence is currently insufficient to determine the role of this variant in disease. Therefore, it has been classified as a Variant of Uncertain Significance.

NM_006514.4(SCN10A):c.5768G>C (p.Ser1923Thr)

Gene: SCN10A (sodium voltage-gated channel alpha subunit 10; minus strand). Cytogenetic location: 3p22.2.
Variant type: single nucleotide variant.
Coding change: c.5768G>C on transcript NM_006514.4 (MANE Select); coding-DNA position 5768, G replaced by C.
Protein change: p.Ser1923Thr; replaces serine 1923 with threonine.
Molecular consequence: missense variant.
Genome position (GRCh38, 1-based): chr3:38,697,452, C>G on the plus strand (G>C on the coding strand, the complement: SCN10A is on the minus strand). VCF-style: chr3-38697452-C-G. GRCh37 (hg19) VCF-style: chr3-38738943-C-G.
Other names: c.5765G>C, p.Ser1922Thr (NM_001293306.2); c.5474G>C, p.Ser1825Thr (NM_001293307.2); short protein forms S1825T, S1922T, S1923T.
Identifiers: ClinVar variation 4707590 (VCV004707590.1).